The following is an entry in ClinVar:

ClinVar aggregate classification (germline): Uncertain significance (1 of 4 stars; one submission).

Submission:

Labcorp Genetics (formerly Invitae), Labcorp
Classification: Uncertain significance. Last evaluated: 2026-01-12. Review status: criteria provided, single submitter. Criteria: Invitae Variant Classification Sherloc (09022015). Collection method: clinical testing. Allele origin: germline.
Comment: This sequence change replaces alanine, which is neutral and non-polar, with serine, which is neutral and polar, at codon 128 of the KRT17 protein (p.Ala128Ser). Information on the frequency of this variant in the gnomAD database is not available, as this variant may be reported differently in the database. This variant has not been reported in the literature in individuals affected with KRT17-related conditions. Experimental studies and prediction algorithms are not available or were not evaluated, and the functional significance of this variant is currently unknown. In summary, the available evidence is currently insufficient to determine the role of this variant in disease. Therefore, it has been classified as a Variant of Uncertain Significance.

NM_000422.3(KRT17):c.381_382delinsAT (p.Ala128Ser)

Gene: KRT17 (keratin 17; minus strand). Cytogenetic location: 17q21.2.
Variant type: Indel.
Coding change: c.381_382delinsAT on transcript NM_000422.3 (MANE Select); coding-DNA positions 381 to 382, CG replaced by AT.
Protein change: p.Ala128Ser; replaces alanine 128 with serine.
Molecular consequence: missense variant.
Genome position (GRCh38, 1-based): chr17:41,624,128-41,624,129, CG replaced by AT on the plus strand (CG replaced by AT on the coding strand, the reverse complement: KRT17 is on the minus strand). VCF-style: chr17-41624128-CG-AT. GRCh37 (hg19) VCF-style: chr17-39780380-CG-AT.
Other names: short protein forms A128S.
Identifiers: ClinVar variation 4763954 (VCV004763954.1).
Genomic context (GRCh38, chr17:41,624,128, plus strand): 5'-CAGGCCCTACCTTGTTCTGCAGCTCCTCAATTGTCCTGTAGTACTGGCTGTAGTCACGGG[CG>AT]GGCCCCGGGGCCTGCCTCTGGTACCAGTCACGGATCTTCACCTCCAGCTCAGTGTTGGCC-3'
Protein context (NP_000413.1, residues 118-138): DWYQRQAPGP[Ala128Ser]RDYSQYYRTI